The following is an entry in ClinVar:

NM_005654.6(NR2F1):c.262G>A (p.Val88Met)

Genes: NR2F1 (nuclear receptor subfamily 2 group F member 1; plus strand), NR2F1-AS1 (NR2F1 antisense RNA 1; minus strand). Cytogenetic location: 5q15.
Variant type: single nucleotide variant.
Coding change: c.262G>A on transcript NM_005654.6 (MANE Select); coding-DNA position 262, G replaced by A.
Protein change: p.Val88Met; replaces valine 88 with methionine.
Molecular consequence: missense variant.
Genome position (GRCh38, 1-based): chr5:93,585,285, G>A. VCF-style: chr5-93585285-G-A. GRCh37 (hg19) VCF-style: chr5-92920991-G-A.
Other names: short protein forms V88M.
Identifiers: ClinVar variation 265667 (VCV000265667.2), dbSNP rs886039714, ClinGen allele CA10588406.
Genomic context (GRCh38, chr5:93,585,285, plus strand): 5'-GGGGACAAGGGCCAGGGCCCGCCCGGTTCGGGCCAGAGCCAGCAGCACATCGAGTGCGTG[G>A]TGTGCGGGGACAAGTCGAGCGGCAAGCACTACGGCCAATTCACCTGCGAGGGCTGCAAAA-3'
Protein context (NP_005645.1, residues 78-98): GQSQQHIECV[Val88Met]CGDKSSGKHY

ClinVar aggregate classification (germline): Pathogenic (1 of 4 stars; one submission).

Submission:

GeneDx
Classification: Pathogenic. Last evaluated: 2016-08-12. Review status: criteria provided, single submitter. Criteria: GeneDx Variant Classification (06012015). Collection method: clinical testing. Allele origin: germline. Affected: yes.
Comment: The V88M variant in the NR2F1 gene has not been reported previously as a pathogenic variant nor as a benign variant, to our knowledge. The V88M variant was not observed in approximately 6500 individuals of European and African American ancestry in the NHLBI Exome Sequencing Project, indicating it is not a common benign variant in these populations. The V88M variant is a conservative amino acid substitution, which is not likely to impact secondary protein structure as these residues share similar properties. In silico analysis is inconsistent in its predictions as to whether or not the variant is damaging to the protein structure/function. However, this substitution occurs within the DNA binding domain of the protein at a position that is conserved across species. We interpret V88M as a pathogenic variant.